The following is an entry in ClinVar:

ClinVar aggregate classification (germline): Benign/Likely benign. Review status: criteria provided, multiple submitters, no conflicts (2 of 4 stars). 6 submissions from 6 submitters: Benign (1); Likely benign (5). Last evaluated 2025-12-09.

Conditions:
Classic or attenuated familial adenomatous polyposis. Identifiers: MedGen CN372698, MONDO:0021057.
Hereditary cancer-predisposing syndrome. Also called: Hereditary neoplastic syndrome; Tumor predisposition; Hereditary Cancer Syndrome; Neoplastic Syndromes, Hereditary. Identifiers: Orphanet 140162, MedGen C0027672, MeSH D009386, MONDO:0015356.
Familial adenomatous polyposis 1 (FAP1). Also called: FAMILIAL ADENOMATOUS POLYPOSIS 1, ATTENUATED; POLYPOSIS, ADENOMATOUS INTESTINAL. Identifiers: MedGen C2713442, MONDO:0021056, OMIM 175100. Disease mechanism: loss of function.

Allele frequency attached by ClinVar (database versions not stated): gnomAD exomes below 0.00001 and 0.00001; TOPMed below 0.00001.
gnomAD v4.1: 15 of 1,614,196 alleles (0.00093%); highest among the groups gnomAD compares: South Asian, 0.0011%; no homozygotes.

Submissions (6):

Labcorp Genetics (formerly Invitae), Labcorp
Classification: Likely benign for Familial adenomatous polyposis 1. Last evaluated: 2025-12-09. Review status: criteria provided, single submitter. Criteria: Invitae Variant Classification Sherloc (09022015). Collection method: clinical testing. Allele origin: germline.

Myriad Genetics, Inc.
Classification: Benign for Familial adenomatous polyposis 1. Last evaluated: 2024-03-15. Review status: criteria provided, single submitter. Criteria: Myriad Autosomal Dominant, Autosomal Recessive and X-Linked Classification Criteria (2023). Collection method: clinical testing. Allele origin: unknown.
Comment: This variant is considered benign. This variant is a silent/synonymous amino acid change and it is not expected to impact splicing.

All of Us Research Program, National Institutes of Health
Classification: Likely benign for Classic or attenuated familial adenomatous polyposis. Last evaluated: 2023-10-02. Review status: criteria provided, single submitter. Criteria: ACMG Guidelines, 2015. Collection method: clinical testing. Allele origin: germline. Inheritance: Autosomal dominant inheritance. Observed: 1 variant allele, 1 heterozygote.
Comment: This study involves interpretation of variants in research participants for the purpose of population health screening. Participant phenotype was not available at the time of variant classification. Additional details can be found in publication PMID: 35346344, PMCID: PMC8962531

Sema4
Classification: Likely benign for Hereditary cancer-predisposing syndrome. Last evaluated: 2022-02-08. Review status: criteria provided, single submitter. Criteria: Sema4 Curation Guidelines. Collection method: curation. Allele origin: germline.

Color Diagnostics, LLC DBA Color Health
Classification: Likely benign for Hereditary cancer-predisposing syndrome. Last evaluated: 2016-11-18. Review status: criteria provided, single submitter. Criteria: ACMG Guidelines, 2015. Collection method: clinical testing. Allele origin: germline.

Ambry Genetics
Classification: Likely benign for Hereditary cancer-predisposing syndrome. Last evaluated: 2016-10-31. Review status: criteria provided, single submitter. Criteria: Ambry Variant Classification Scheme 2023. Collection method: clinical testing. Allele origin: germline.

NM_000038.6(APC):c.2991T>C (p.Tyr997=)

Gene: APC (APC regulator of Wnt signaling pathway; plus strand). Cytogenetic location: 5q22.2.
Variant type: single nucleotide variant.
Coding change: c.2991T>C on transcript NM_000038.6 (MANE Select); coding-DNA position 2991, T replaced by C.
Protein change: p.Tyr997=; no amino-acid change (tyrosine 997 retained).
Molecular consequence: synonymous variant.
Genome position (GRCh38, 1-based): chr5:112,838,585, T>C. VCF-style: chr5-112838585-T-C. GRCh37 (hg19) VCF-style: chr5-112174282-T-C.
Other names: c.2991T>C, p.Tyr997= (NM_001127510.3, NM_001354895.2); c.2937T>C, p.Tyr979= (NM_001127511.3); c.3045T>C, p.Tyr1015= (NM_001354896.2); c.3021T>C, p.Tyr1007= (NM_001354897.2); c.2916T>C, p.Tyr972= (NM_001354898.2); c.2907T>C, p.Tyr969= (NM_001354899.2); c.2868T>C, p.Tyr956= (NM_001354900.2); c.2814T>C, p.Tyr938= (NM_001354901.2); and 5 more.
Identifiers: ClinVar variation 220693 (VCV000220693.20), dbSNP rs864622629, ClinGen allele CA348384.